The following is an entry in ClinVar:

ClinVar aggregate classification (germline): Conflicting classifications of pathogenicity. Review status: criteria provided, conflicting classifications (1 of 4 stars). 2 submissions from 2 submitters: Uncertain significance (1); Likely benign (1). Last evaluated 2025-08-09.

Allele frequency attached by ClinVar (database versions not stated): gnomAD exomes below 0.00001; TOPMed below 0.00001; ExAC 0.00001.
gnomAD v4.1: 2 of 1,613,220 alleles (0.00012%); highest among the groups gnomAD compares: Non-Finnish European, 0.00017%; no homozygotes.

Submissions (2):

Labcorp Genetics (formerly Invitae), Labcorp
Classification: Likely benign. Last evaluated: 2025-08-09. Review status: criteria provided, single submitter. Criteria: Invitae Variant Classification Sherloc (09022015). Collection method: clinical testing. Allele origin: germline.

GeneDx
Classification: Uncertain significance. Last evaluated: 2023-12-18. Review status: criteria provided, single submitter. Criteria: GeneDx Variant Classification Process June 2021. Collection method: clinical testing. Allele origin: germline. Affected: yes.
Comment: Not observed at significant frequency in large population cohorts (gnomAD); In silico analysis supports that this missense variant does not alter protein structure/function; Has not been previously published as pathogenic or benign to our knowledge; Not located in the triple helical region, where the majority of pathogenic missense variants occur (PMID: 25240749); This variant is associated with the following publications: (PMID: 25240749)

NM_001854.4(COL11A1):c.5329C>G (p.Gln1777Glu)

Gene: COL11A1 (collagen type XI alpha 1 chain; minus strand). Cytogenetic location: 1p21.1.
Variant type: single nucleotide variant.
Coding change: c.5329C>G on transcript NM_001854.4 (MANE Select); coding-DNA position 5329, C replaced by G.
Protein change: p.Gln1777Glu; replaces glutamine 1777 with glutamic acid.
Molecular consequence: missense variant. On other transcripts: non-coding transcript variant (1).
Genome position (GRCh38, 1-based): chr1:102,878,111, G>C on the plus strand (C>G on the coding strand, the complement: COL11A1 is on the minus strand). VCF-style: chr1-102878111-G-C. GRCh37 (hg19) VCF-style: chr1-103343667-G-C.
Other names: c.4981C>G, p.Gln1661Glu (NM_001168249.1, NM_080630.4); c.5212C>G, p.Gln1738Glu (NM_001190709.2); c.5365C>G, p.Gln1789Glu (NM_080629.3); c.5329C>G (NM_001854.3); short protein forms Q1738E, Q1789E, Q1661E, Q1777E.
Identifiers: ClinVar variation 1939269 (VCV001939269.6), dbSNP rs762806617, ClinGen allele CA973254.